The following is an entry in ClinVar:

ClinVar aggregate classification (germline): Uncertain significance (1 of 4 stars; one submission).

Conditions:
Hereditary cancer-predisposing syndrome. Also called: Hereditary Cancer Syndrome; Neoplastic Syndromes, Hereditary; Tumor predisposition; Hereditary neoplastic syndrome. Identifiers: Orphanet 140162, MedGen C0027672, MeSH D009386, MONDO:0015356.

Submission:

Ambry Genetics
Classification: Uncertain significance for Hereditary cancer-predisposing syndrome. Last evaluated: 2025-09-17. Review status: criteria provided, single submitter. Criteria: Ambry Variant Classification Scheme 2023. Collection method: clinical testing. Allele origin: germline.
Comment: The c.6007-5_6007-3delTTCinsCTA intronic variant begins 5 nucleotides before coding exon 40 in the ATM gene. This variant results from a deletion of 3 nucleotides and insertion of 3 nucleotides at positions c.6007-5 to c.6007-3. This nucleotide region is not well conserved in available vertebrate species. In silico splice site analysis for this alteration is inconclusive, and direct evidence is insufficient at this time (Ambry internal data). Based on the available evidence, the clinical significance of this variant remains unclear.

NM_000051.4(ATM):c.6007-5_6007-3delinsCTA

Genes: ATM (ATM serine/threonine kinase; plus strand), C11orf65 (chromosome 11 open reading frame 65; minus strand). Cytogenetic location: 11q22.3.
Variant type: Indel.
Coding change: c.6007-5_6007-3delinsCTA on transcript NM_000051.4 (MANE Select); 5 bases into the intron before coding-DNA position 6007 through 3 bases into the intron before coding-DNA position 6007, TTC replaced by CTA.
Molecular consequence: intron variant.
Genome position (GRCh38, 1-based): chr11:108,315,818-108,315,820, TTC replaced by CTA. VCF-style: chr11-108315818-TTC-CTA. GRCh37 (hg19) VCF-style: chr11-108186545-TTC-CTA.
Other names: c.6007-5_6007-3delinsCTA (NM_001351834.2); c.641-6749_641-6747delinsTAG (NM_001330368.2); c.*39-6749_*39-6747delinsTAG (NM_001351110.2).
Identifiers: ClinVar variation 4617095 (VCV004617095.1).
Genomic context (GRCh38, chr11:108,315,818, plus strand): 5'-AATTTGCTAAATTTATAGACCGATTTTTTTTCCTTCTTCAATTTTTGTTGTTTCCATGTT[TTC>CTA]AGGATCTTCTCTTAGAAATCTACAGAAGTATAGGGGAGCCAGATAGTTTGTATGGCTGTG-3'